The following is an entry in ClinVar:

ClinVar aggregate classification (germline): Uncertain significance. Review status: criteria provided, multiple submitters, no conflicts (2 of 4 stars). 2 submissions from 2 submitters: Uncertain significance (2). Last evaluated 2024-10-29.

Conditions:
KMT2E-related disorder. Also called: KMT2E-related condition.

Allele frequency attached by ClinVar (database versions not stated): TOPMed below 0.00001.

Submissions (2):

Labcorp Genetics (formerly Invitae), Labcorp
Classification: Uncertain significance. Last evaluated: 2024-10-29. Review status: criteria provided, single submitter. Criteria: Invitae Variant Classification Sherloc (09022015). Collection method: clinical testing. Allele origin: germline.
Comment: This sequence change replaces tyrosine, which is neutral and polar, with cysteine, which is neutral and slightly polar, at codon 1064 of the KMT2E protein (p.Tyr1064Cys). This variant is present in population databases (no rsID available, gnomAD 0.0009%). This variant has not been reported in the literature in individuals affected with KMT2E-related conditions. ClinVar contains an entry for this variant (Variation ID: 2630466). Invitae Evidence Modeling of protein sequence and biophysical properties (such as structural, functional, and spatial information, amino acid conservation, physicochemical variation, residue mobility, and thermodynamic stability) indicates that this missense variant is not expected to disrupt KMT2E protein function with a negative predictive value of 80%. In summary, the available evidence is currently insufficient to determine the role of this variant in disease. Therefore, it has been classified as a Variant of Uncertain Significance.

PreventionGenetics, part of Exact Sciences
Classification: Uncertain significance for KMT2E-related condition. Last evaluated: 2023-02-25. Review status: criteria provided, single submitter. Criteria: ACMG Guidelines, 2015. Collection method: clinical testing. Allele origin: germline.
Comment: The KMT2E c.3191A>G variant is predicted to result in the amino acid substitution p.Tyr1064Cys. To our knowledge, this variant has not been reported in the literature. This variant is reported in 0.00088% of alleles in individuals of European (Non-Finnish) descent in gnomAD. At this time, the clinical significance of this variant is uncertain due to the absence of conclusive functional and genetic evidence.

NM_182931.3(KMT2E):c.3191A>G (p.Tyr1064Cys)

Gene: KMT2E (lysine methyltransferase 2E (inactive); plus strand). Cytogenetic location: 7q22.3.
Variant type: single nucleotide variant.
Coding change: c.3191A>G on transcript NM_182931.3 (MANE Select); coding-DNA position 3191, A replaced by G.
Protein change: p.Tyr1064Cys; replaces tyrosine 1064 with cysteine.
Molecular consequence: missense variant.
Genome position (GRCh38, 1-based): chr7:105,107,648, A>G. VCF-style: chr7-105107648-A-G. GRCh37 (hg19) VCF-style: chr7-104748095-A-G.
Other names: c.3191A>G, p.Tyr1064Cys (NM_001410908.1, NM_018682.4); short protein forms Y1064C.
Identifiers: ClinVar variation 2630466 (VCV002630466.3), dbSNP rs1236868466, ClinGen allele CA368788782.